The following is an entry in ClinVar:

NM_001365951.3(KIF1B):c.2624C>A (p.Thr875Asn)

Gene: KIF1B (kinesin family member 1B; plus strand). Cytogenetic location: 1p36.22.
Variant type: single nucleotide variant.
Coding change: c.2624C>A on transcript NM_001365951.3 (MANE Select); coding-DNA position 2624, C replaced by A.
Protein change: p.Thr875Asn; replaces threonine 875 with asparagine.
Molecular consequence: missense variant.
Genome position (GRCh38, 1-based): chr1:10,324,844, C>A. VCF-style: chr1-10324844-C-A. GRCh37 (hg19) VCF-style: chr1-10384902-C-A.
Other names: c.2624C>A, p.Thr875Asn (NM_001365952.1); c.2486C>A, p.Thr829Asn (NM_015074.3); short protein forms T875N, T829N.
Identifiers: ClinVar variation 1791987 (VCV001791987.6), dbSNP rs757797211, ClinGen allele CA338335722.

ClinVar aggregate classification (germline): Uncertain significance. Review status: criteria provided, multiple submitters, no conflicts (2 of 4 stars). 2 submissions from 2 submitters: Uncertain significance (2). Last evaluated 2024-07-13.

Conditions:
Charcot-Marie-Tooth disease type 2. Also called: Charcot-Marie-Tooth type 2. Identifiers: Orphanet 64746, MedGen C0270914, MONDO:0018993.

gnomAD v4.1: 1 of 1,614,030 alleles (0.000062%); highest among the groups gnomAD compares: African/African-American, 0.0013%; no homozygotes.

Submissions (2):

Ambry Genetics
Classification: Uncertain significance. Last evaluated: 2024-07-13. Review status: criteria provided, single submitter. Criteria: Ambry Variant Classification Scheme 2023. Collection method: clinical testing. Allele origin: germline.
Comment: The p.T829N variant (also known as c.2486C>A), located in coding exon 23 of the KIF1B gene, results from a C to A substitution at nucleotide position 2486. The threonine at codon 829 is replaced by asparagine, an amino acid with similar properties. This amino acid position is conserved. In addition, the in silico prediction for this alteration is inconclusive. Since supporting evidence is limited at this time, the clinical significance of this alteration remains unclear.

Labcorp Genetics (formerly Invitae), Labcorp
Classification: Uncertain significance for Charcot-Marie-Tooth disease type 2. Last evaluated: 2023-06-15. Review status: criteria provided, single submitter. Criteria: Invitae Variant Classification Sherloc (09022015). Collection method: clinical testing. Allele origin: germline.
Comment: In summary, the available evidence is currently insufficient to determine the role of this variant in disease. Therefore, it has been classified as a Variant of Uncertain Significance. Advanced modeling of protein sequence and biophysical properties (such as structural, functional, and spatial information, amino acid conservation, physicochemical variation, residue mobility, and thermodynamic stability) performed at Invitae indicates that this missense variant is not expected to disrupt KIF1B protein function. ClinVar contains an entry for this variant (Variation ID: 1791987). This variant has not been reported in the literature in individuals affected with KIF1B-related conditions. This variant is present in population databases (no rsID available, gnomAD 0.01%). This sequence change replaces threonine, which is neutral and polar, with asparagine, which is neutral and polar, at codon 829 of the KIF1B protein (p.Thr829Asn).